The following is an entry in ClinVar:

NM_006063.3(KLHL41):c.1412A>G (p.Lys471Arg)

Gene: KLHL41 (kelch like family member 41; plus strand). Cytogenetic location: 2q31.1.
Variant type: single nucleotide variant.
Coding change: c.1412A>G on transcript NM_006063.3 (MANE Select); coding-DNA position 1412, A replaced by G.
Protein change: p.Lys471Arg; replaces lysine 471 with arginine.
Molecular consequence: missense variant.
Genome position (GRCh38, 1-based): chr2:169,518,225, A>G. VCF-style: chr2-169518225-A-G. GRCh37 (hg19) VCF-style: chr2-170374735-A-G.
Other names: short protein forms K471R.
Identifiers: ClinVar variation 2046651 (VCV002046651.3), dbSNP rs146806979, ClinGen allele CA1956682.

ClinVar aggregate classification (germline): Uncertain significance. Review status: criteria provided, multiple submitters, no conflicts (2 of 4 stars). 2 submissions from 2 submitters: Uncertain significance (2). Last evaluated 2025-03-28.

Conditions:
Inborn genetic diseases. Identifiers: MedGen C0950123, MeSH D030342.
Nemaline myopathy 9 (NEM9). Identifiers: MedGen C3810384, MONDO:0014326, OMIM 615731.

Allele frequency attached by ClinVar (database versions not stated): TOPMed 0.00009; ESP Exome Variant Server 0.00023; gnomAD exomes 0.00002; ExAC 0.00007; 1000 Genomes Project 30x 0.00047; gnomAD 0.00008; 1000 Genomes Project 0.00040.

Submissions (2):

Ambry Genetics
Classification: Uncertain significance for Inborn genetic diseases. Last evaluated: 2025-03-28. Review status: criteria provided, single submitter. Criteria: Ambry Variant Classification Scheme 2023. Collection method: clinical testing. Allele origin: germline.

Labcorp Genetics (formerly Invitae), Labcorp
Classification: Uncertain significance for Nemaline myopathy 9. Last evaluated: 2022-07-02. Review status: criteria provided, single submitter. Criteria: Invitae Variant Classification Sherloc (09022015). Collection method: clinical testing. Allele origin: germline.
Comment: This sequence change replaces lysine, which is basic and polar, with arginine, which is basic and polar, at codon 471 of the KLHL41 protein (p.Lys471Arg). This variant is present in population databases (rs146806979, gnomAD 0.03%). This variant has not been reported in the literature in individuals affected with KLHL41-related conditions. Algorithms developed to predict the effect of missense changes on protein structure and function output the following: SIFT: "Deleterious"; PolyPhen-2: "Benign"; Align-GVGD: "Class C25". The arginine amino acid residue is found in multiple mammalian species, which suggests that this missense change does not adversely affect protein function. Algorithms developed to predict the effect of sequence changes on RNA splicing suggest that this variant may create or strengthen a splice site. In summary, the available evidence is currently insufficient to determine the role of this variant in disease. Therefore, it has been classified as a Variant of Uncertain Significance.